The following is an entry in ClinVar:

NM_004985.5(KRAS):c.482G>A (p.Arg161Gln)

Gene: KRAS (KRas proto-oncogene, GTPase; minus strand). Cytogenetic location: 12p12.1.
Variant type: single nucleotide variant.
Coding change: c.482G>A on transcript NM_004985.5 (MANE Select); coding-DNA position 482, G replaced by A.
Protein change: p.Arg161Gln; replaces arginine 161 with glutamine.
Molecular consequence: missense variant. On other transcripts: 3 prime UTR variant (2).
Genome position (GRCh38, 1-based): chr12:25,209,880, C>T on the plus strand (G>A on the coding strand, the complement: KRAS is on the minus strand). VCF-style: chr12-25209880-C-T. GRCh37 (hg19) VCF-style: chr12-25362814-C-T.
Other names: c.*36G>A (NM_001369786.1, NM_033360.4); c.482G>A, p.Arg161Gln (NM_001369787.1); short protein forms R161Q.
Identifiers: ClinVar variation 1372540 (VCV001372540.9), dbSNP rs2141481655, ClinGen allele CA384148478.
Genomic context (GRCh38, chr12:25,209,880, plus strand): 5'-GACTTCTTTTTCTTCTTTTTACCATCTTTGCTCATCTTTTCTTTATGTTTTCGAATTTCT[C>T]GAACTAATGTATAGAAGGCATCATCAACACCCTGAAATACATAAAAAGTATTAAAATGTG-3'
Protein context (NP_004976.2, residues 151-171): GVDDAFYTLV[Arg161Gln]EIRKHKEKMS

ClinVar aggregate classification (germline): Uncertain significance. Review status: criteria provided, multiple submitters, no conflicts (2 of 4 stars). 2 submissions from 2 submitters: Uncertain significance (2). Last evaluated 2024-08-28.

Conditions:
RASopathy. Also called: rasopathies; Noonan spectrum disorder. Identifiers: Orphanet 536391, MedGen C5555857, MONDO:0021060.

Allele frequency attached by ClinVar (database versions not stated): gnomAD exomes below 0.00001.
gnomAD v4.1: 2 of 1,610,826 alleles (0.00012%); highest among the groups gnomAD compares: South Asian, 0.0011%; no homozygotes.

Submissions (2):

Blueprint Genetics
Classification: Uncertain significance. Last evaluated: 2024-08-28. Review status: criteria provided, single submitter. Criteria: ACMG Guidelines, 2015. Collection method: clinical testing. Allele origin: germline.

Labcorp Genetics (formerly Invitae), Labcorp
Classification: Uncertain significance for RASopathy. Last evaluated: 2022-08-09. Review status: criteria provided, single submitter. Criteria: Invitae Variant Classification Sherloc (09022015). Collection method: clinical testing. Allele origin: germline.
Comment: This sequence change replaces arginine, which is basic and polar, with glutamine, which is neutral and polar, at codon 161 of the KRAS protein (p.Arg161Gln). In summary, the available evidence is currently insufficient to determine the role of this variant in disease. Therefore, it has been classified as a Variant of Uncertain Significance. Algorithms developed to predict the effect of missense changes on protein structure and function (SIFT, PolyPhen-2, Align-GVGD) all suggest that this variant is likely to be disruptive. ClinVar contains an entry for this variant (Variation ID: 1372540). This variant has not been reported in the literature in individuals affected with KRAS-related conditions. This variant is not present in population databases (gnomAD no frequency).